The following is an entry in ClinVar:

ClinVar aggregate classification (germline): Uncertain significance (1 of 4 stars; one submission).

Allele frequency attached by ClinVar (database versions not stated): TOPMed 0.00002; gnomAD 0.00001.
gnomAD v4.1: 1 of 1,594,630 alleles (0.000063%); highest among the groups gnomAD compares: African/African-American, 0.0013%; no homozygotes.

Submission:

Greenwood Genetic Center Diagnostic Laboratories, Greenwood Genetic Center
Classification: Uncertain significance. Last evaluated: 2020-12-09. Review status: criteria provided, single submitter. Criteria: ACMG Guidelines, 2015. Collection method: clinical testing. Allele origin: germline. Affected: yes.
Comment: PP3, PM2

NM_152743.4(BRAT1):c.1521A>C (p.Lys507Asn)

Gene: BRAT1 (BRCA1 associated ATM activator 1; minus strand). Cytogenetic location: 7p22.3.
Variant type: single nucleotide variant.
Coding change: c.1521A>C on transcript NM_152743.4 (MANE Select); coding-DNA position 1521, A replaced by C.
Protein change: p.Lys507Asn; replaces lysine 507 with asparagine.
Molecular consequence: missense variant. On other transcripts: non-coding transcript variant (1).
Genome position (GRCh38, 1-based): chr7:2,539,620, T>G on the plus strand (A>C on the coding strand, the complement: BRAT1 is on the minus strand). VCF-style: chr7-2539620-T-G. GRCh37 (hg19) VCF-style: chr7-2579254-T-G.
Other names: c.1521A>C, p.Lys507Asn (NM_001350626.2); c.996A>C, p.Lys332Asn (NM_001350627.2); short protein forms K332N, K507N.
Identifiers: ClinVar variation 1331539 (VCV001331539.4), dbSNP rs1442646274, ClinGen allele CA366627793.